The following is an entry in ClinVar:

NM_004606.5(TAF1):c.421C>G (p.Pro141Ala)

Gene: TAF1 (TATA-box binding protein associated factor 1; plus strand). Cytogenetic location: Xq13.1.
Variant type: single nucleotide variant.
Coding change: c.421C>G on transcript NM_004606.5 (MANE Select); coding-DNA position 421, C replaced by G.
Protein change: p.Pro141Ala; replaces proline 141 with alanine.
Molecular consequence: missense variant. On other transcripts: non-coding transcript variant (9).
Genome position (GRCh38, 1-based): chrX:71,375,235, C>G. VCF-style: chrX-71375235-C-G. GRCh37 (hg19) VCF-style: chrX-70595085-C-G.
Other names: c.421C>G, p.Pro141Ala (NM_001286074.2, NM_138923.4); short protein forms P161A, P141A.
Identifiers: ClinVar variation 638058 (VCV000638058.4), dbSNP rs1602451776, ClinGen allele CA413503662.

ClinVar aggregate classification (germline): Uncertain significance. Review status: criteria provided, multiple submitters, no conflicts (2 of 4 stars). 2 submissions from 2 submitters: Uncertain significance (2). Last evaluated 2023-02-28.

Conditions:
Intellectual developmental disorder, X-linked, syndromic 33. Also called: Intellectual disability, X-linked, syndromic 33; X-linked intellectual disability-global development delay-facial dysmorphism-sacral caudal remnant syndrome. Identifiers: Orphanet 480907, MedGen C4225418, MONDO:0010500, OMIM 300966.

Submissions (2):

GeneDx
Classification: Uncertain significance. Last evaluated: 2023-02-28. Review status: criteria provided, single submitter. Criteria: GeneDx Variant Classification Process June 2021. Collection method: clinical testing. Allele origin: germline. Affected: yes.
Comment: Not observed at significant frequency in large population cohorts (gnomAD); In silico analysis supports that this missense variant does not alter protein structure/function; Has not been previously published as pathogenic or benign to our knowledge

Baylor-Hopkins Center for Mendelian Genomics, Johns Hopkins University School of Medicine
Classification: Uncertain significance for Intellectual developmental disorder, X-linked, syndromic 33. Review status: criteria provided, single submitter. Criteria: ACMG Guidelines, 2015. Collection method: research. Allele origin: germline. Affected: yes. Observed: 1 variant allele, 1 hemizygote.